The following is an entry in ClinVar:

ClinVar aggregate classification (germline): Uncertain significance (1 of 4 stars; one submission).

Conditions:
Tumor predisposition syndrome 3 (TPDS3). Also called: Melanoma, cutaneous malignant, susceptibility to, 10; Glioma susceptibility 9; LONG TELOMERE SYNDROME, POT1-RELATED; POT1 Tumor Predisposition. Identifiers: Orphanet 618, MedGen C4014476, MONDO:0014368, OMIM 615848.

Submission:

Labcorp Genetics (formerly Invitae), Labcorp
Classification: Uncertain significance for Tumor predisposition syndrome 3. Last evaluated: 2020-09-15. Review status: criteria provided, single submitter. Criteria: Invitae Variant Classification Sherloc (09022015). Collection method: clinical testing. Allele origin: germline.
Comment: In summary, the available evidence is currently insufficient to determine the role of this variant in disease. Therefore, it has been classified as a Variant of Uncertain Significance. Algorithms developed to predict the effect of missense changes on protein structure and function are either unavailable or do not agree on the potential impact of this missense change (SIFT: "Deleterious"; PolyPhen-2: "Possibly Damaging"; Align-GVGD: "Class C0"). This variant has not been reported in the literature in individuals with POT1-related conditions. This variant is not present in population databases (ExAC no frequency). This sequence change replaces serine with threonine at codon 322 of the POT1 protein (p.Ser322Thr). The serine residue is moderately conserved and there is a small physicochemical difference between serine and threonine.

NM_015450.3(POT1):c.964T>A (p.Ser322Thr)

Gene: POT1 (protection of telomeres 1; minus strand). Cytogenetic location: 7q31.33.
Variant type: single nucleotide variant.
Coding change: c.964T>A on transcript NM_015450.3 (MANE Select); coding-DNA position 964, T replaced by A.
Protein change: p.Ser322Thr; replaces serine 322 with threonine.
Molecular consequence: missense variant. On other transcripts: non-coding transcript variant (3).
Genome position (GRCh38, 1-based): chr7:124,846,984, A>T on the plus strand (T>A on the coding strand, the complement: POT1 is on the minus strand). VCF-style: chr7-124846984-A-T. GRCh37 (hg19) VCF-style: chr7-124487038-A-T.
Other names: c.571T>A, p.Ser191Thr (NM_001042594.2); short protein forms S191T, S322T.
Identifiers: ClinVar variation 1037746 (VCV001037746.9), dbSNP rs1795185450, ClinGen allele CA369053829.